The following is an entry in ClinVar:

NC_000019.9:g.(?_39023110)_(39023396_?)del

Gene: RYR1 (ryanodine receptor 1; plus strand). Cytogenetic location: 19q13.2.
Variant type: Deletion.
Identifiers: ClinVar variation 3242616 (VCV003242616.1).

ClinVar aggregate classification (germline): Pathogenic (1 of 4 stars; one submission).

Conditions:
RYR1-related disorder. Also called: RYR1-related disorders; RYR1-related condition. Identifiers: MedGen CN239331.

Submission:

Labcorp Genetics (formerly Invitae), Labcorp
Classification: Pathogenic for RYR1-related disorder. Last evaluated: 2023-10-27. Review status: criteria provided, single submitter. Criteria: Invitae Variant Classification Sherloc (09022015). Collection method: clinical testing. Allele origin: unknown.
Comment: This variant is a gross deletion of the genomic region encompassing exon(s) 77-78 of the RYR1 gene. This deletion is out-of-frame, and is expected to create a premature termination codon and result in an absent or disrupted protein product. Loss-of-function variants in RYR1 are known to be pathogenic (PMID: 23919265, 25960145, 28818389, 30611313). This variant has not been reported in the literature in individuals affected with RYR1-related conditions. For these reasons, this variant has been classified as Pathogenic.

Literature cited by the submitters: PubMed 23919265; PubMed 25960145; PubMed 28818389; PubMed 30611313.